The following is an entry in ClinVar:

NM_007294.4(BRCA1):c.28G>T (p.Glu10Ter)

Gene: BRCA1 (BRCA1 DNA repair associated; minus strand). Cytogenetic location: 17q21.31.
Variant type: single nucleotide variant.
Coding change: c.28G>T on transcript NM_007294.4 (MANE Select); coding-DNA position 28, G replaced by T.
Protein change: p.Glu10Ter; replaces glutamic acid 10 with a stop codon.
Molecular consequence: nonsense. On other transcripts: 5 prime UTR variant (1), non-coding transcript variant (1).
Genome position (GRCh38, 1-based): chr17:43,124,069, C>A on the plus strand (G>T on the coding strand, the complement: BRCA1 is on the minus strand). VCF-style: chr17-43124069-C-A. GRCh37 (hg19) VCF-style: chr17-41276086-C-A.
Other names: c.28G>T, p.Glu10Ter (NM_001408434.1, NM_001408435.1, NM_001408436.1 and 193 more transcripts); c.-233G>T (NM_001408452.1, NM_001408462.1, NM_001408463.1 and 22 more transcripts); c.-60G>T (NM_001408454.1, NM_001408459.1, NM_001408460.1 and 23 more transcripts); c.-230G>T (NM_001408455.1, NM_001408456.1, NM_001408468.1 and 11 more transcripts); c.-234G>T (NM_001408465.1, NM_001407695.1); c.-161G>T (NM_001408478.1, NM_001408479.1, NM_001408480.1 and 46 more transcripts); c.-306G>T (NM_001408482.1); c.-277G>T (NM_001408492.1, NM_001407889.1); and 8 more; short protein forms E10*.
Identifiers: ClinVar variation 869082 (VCV000869082.3), dbSNP rs2055737833, ClinGen allele CA10602105.
Genomic context (GRCh38, chr17:43,124,069, plus strand): 5'-TGACTTACCAGATGGGACACTCTAAGATTTTCTGCATAGCATTAATGACATTTTGTACTT[C>A]TTCAACGCGAAGAGCAGATAAATCCATTTCTTTCTGTTCCAATGAACTTTAACACATTAG-3'

Conditions:
Breast-ovarian cancer, familial, susceptibility to, 1 (BROVCA1). Also called: BRCA1 Hereditary Breast and Ovarian Cancer; OVARIAN CANCER, SUSCEPTIBILITY TO. Identifiers: Orphanet 145, MedGen C2676676, MONDO:0011450, OMIM 604370. Disease mechanism: loss of function.

Submission:

Brotman Baty Institute, University of Washington
No classification provided (evidence only). Condition: Breast-ovarian cancer, familial 1. Review status: no classification provided. Collection method: in vitro. Allele origin: not applicable. Functional consequence: functionally_abnormal.
ClinVar note: "not provided" was previously submitted as the classification for the variant. However, the classification appeared to be based only on an observation of functional data so it was converted to no classification on 2025-07-30.